The following is an entry in ClinVar:

ClinVar aggregate classification (germline): Uncertain significance. Review status: criteria provided, multiple submitters, no conflicts (2 of 4 stars). 2 submissions from 2 submitters: Uncertain significance (2). Last evaluated 2026-01-31.

Conditions:
Brugada syndrome 8 (BRGDA8). Identifiers: Orphanet 130, MedGen C2751083, MONDO:0013148, OMIM 613123.
Cardiovascular phenotype. Identifiers: MedGen CN230736.

Allele frequency attached by ClinVar (database versions not stated): TOPMed below 0.00001; gnomAD 0.00001; gnomAD exomes 0.00001.
gnomAD v4.1: 5 of 1,542,476 alleles (0.00032%); highest among the groups gnomAD compares: Non-Finnish European, 0.00044%; no homozygotes.

Submissions (2):

Labcorp Genetics (formerly Invitae), Labcorp
Classification: Uncertain significance for Brugada syndrome 8. Last evaluated: 2026-01-31. Review status: criteria provided, single submitter. Criteria: Invitae Variant Classification Sherloc (09022015). Collection method: clinical testing. Allele origin: germline.
Comment: This sequence change replaces glycine, which is neutral and non-polar, with aspartic acid, which is acidic and polar, at codon 932 of the HCN4 protein (p.Gly932Asp). This variant is not present in population databases (gnomAD no frequency). This variant has not been reported in the literature in individuals affected with HCN4-related conditions. ClinVar contains an entry for this variant (Variation ID: 2142167). Invitae Evidence Modeling of protein sequence and biophysical properties (such as structural, functional, and spatial information, amino acid conservation, physicochemical variation, residue mobility, and thermodynamic stability) indicates that this missense variant is not expected to disrupt HCN4 protein function with a negative predictive value of 95%. In summary, the available evidence is currently insufficient to determine the role of this variant in disease. Therefore, it has been classified as a Variant of Uncertain Significance.

Ambry Genetics
Classification: Uncertain significance for Cardiovascular phenotype. Last evaluated: 2024-12-20. Review status: criteria provided, single submitter. Criteria: Ambry Variant Classification Scheme 2023. Collection method: clinical testing. Allele origin: germline.
Comment: The p.G932D variant (also known as c.2795G>A), located in coding exon 8 of the HCN4 gene, results from a G to A substitution at nucleotide position 2795. The glycine at codon 932 is replaced by aspartic acid, an amino acid with similar properties. This amino acid position is conserved. In addition, the in silico prediction for this alteration is inconclusive. Based on the available evidence, the clinical significance of this variant remains unclear.

NM_005477.3(HCN4):c.2795G>A (p.Gly932Asp)

Gene: HCN4 (hyperpolarization activated cyclic nucleotide gated potassium channel 4; minus strand). Cytogenetic location: 15q24.1.
Variant type: single nucleotide variant.
Coding change: c.2795G>A on transcript NM_005477.3 (MANE Select); coding-DNA position 2795, G replaced by A.
Protein change: p.Gly932Asp; replaces glycine 932 with aspartic acid.
Molecular consequence: missense variant.
Genome position (GRCh38, 1-based): chr15:73,323,298, C>T on the plus strand (G>A on the coding strand, the complement: HCN4 is on the minus strand). VCF-style: chr15-73323298-C-T. GRCh37 (hg19) VCF-style: chr15-73615639-C-T.
Other names: c.2795G>A (NM_005477.2); short protein forms G932D.
Identifiers: ClinVar variation 2142167 (VCV002142167.6), dbSNP rs1480886186, ClinGen allele CA393087963.
Genomic context (GRCh38, chr15:73,323,298, plus strand): 5'-AGGCCTCCCCGGGCCCCGGGTGGCGCGGGAGATGGCTGGGCAGCCTGCGGGGAGCGGGCG[C>T]CTGGCTGCAGCGGGGTGAGCAGGGGAGAGTCGGAGGAGGACAGGGAGCCACCCAGCGCCT-3'
Protein context (NP_005468.1, residues 922-942): DSPLLTPLQP[Gly932Asp]ARSPQAAQPS